The following is an entry in ClinVar:

ClinVar aggregate classification (germline): Likely pathogenic (1 of 4 stars; one submission).

Submission:

Labcorp Genetics (formerly Invitae), Labcorp
Classification: Likely pathogenic. Last evaluated: 2026-01-05. Review status: criteria provided, single submitter. Criteria: Invitae Variant Classification Sherloc (09022015). Collection method: clinical testing. Allele origin: germline.
Comment: This sequence change affects a donor splice site in intron 4 of the HERC1 gene. It is expected to disrupt RNA splicing. Variants that disrupt the donor or acceptor splice site typically lead to a loss of protein function (PMID: 16199547), and loss-of-function variants in HERC1 are known to be pathogenic (PMID: 26138117, 26153217, 27108999). This variant is not present in population databases (gnomAD no frequency). This variant has not been reported in the literature in individuals affected with HERC1-related conditions. ClinVar contains an entry for this variant (Variation ID: 2729404). Algorithms developed to predict the effect of sequence changes on RNA splicing suggest that this variant may disrupt the consensus splice site. In summary, the currently available evidence indicates that the variant is pathogenic, but additional data are needed to prove that conclusively. Therefore, this variant has been classified as Likely Pathogenic.

Literature cited by the submitters: PubMed 16199547; PubMed 26138117; PubMed 26153217; PubMed 27108999.

NM_003922.4(HERC1):c.1221+1G>A

Gene: HERC1 (HECT and RLD domain containing E3 ubiquitin protein ligase family member 1; minus strand). Cytogenetic location: 15q22.31.
Variant type: single nucleotide variant.
Coding change: c.1221+1G>A on transcript NM_003922.4 (MANE Select); the canonical splice donor site of the intron after coding-DNA position 1221, G replaced by A.
Molecular consequence: splice donor variant.
Genome position (GRCh38, 1-based): chr15:63,758,174, C>T on the plus strand (G>A on the coding strand, the complement: HERC1 is on the minus strand). VCF-style: chr15-63758174-C-T. GRCh37 (hg19) VCF-style: chr15-64050373-C-T.
Identifiers: ClinVar variation 2729404 (VCV002729404.3), dbSNP rs1567094729, ClinGen allele CA392804781.